The following is an entry in ClinVar:

ClinVar aggregate classification (germline): Uncertain significance. Review status: criteria provided, multiple submitters, no conflicts (2 of 4 stars). 2 submissions from 2 submitters: Uncertain significance (2). Last evaluated 2023-10-03.

Conditions:
Inborn genetic diseases. Identifiers: MedGen C0950123, MeSH D030342.
Microcephaly-intellectual disability-sensorineural hearing loss-epilepsy-abnormal muscle tone syndrome (NEDHSB). Also called: NEURODEVELOPMENTAL DISORDER WITH HEARING LOSS, SEIZURES, AND BRAIN ABNORMALITIES. Identifiers: Orphanet 457351, MedGen C4225276, MONDO:0014698, OMIM 616577.

Allele frequency attached by ClinVar (database versions not stated): gnomAD exomes 0.00001 and 0.00003.
gnomAD v4.1: 42 of 1,605,710 alleles (0.0026%); highest among the groups gnomAD compares: Non-Finnish European, 0.0035%; no homozygotes.

Submissions (2):

Labcorp Genetics (formerly Invitae), Labcorp
Classification: Uncertain significance for Microcephaly-intellectual disability-sensorineural hearing loss-epilepsy-abnormal muscle tone syndrome. Last evaluated: 2023-10-03. Review status: criteria provided, single submitter. Criteria: Invitae Variant Classification Sherloc (09022015). Collection method: clinical testing. Allele origin: germline.
Comment: This sequence change replaces leucine, which is neutral and non-polar, with serine, which is neutral and polar, at codon 478 of the SPATA5 protein (p.Leu478Ser). This variant is present in population databases (no rsID available, gnomAD 0.002%). This variant has not been reported in the literature in individuals affected with SPATA5-related conditions. ClinVar contains an entry for this variant (Variation ID: 659192). Advanced modeling of protein sequence and biophysical properties (such as structural, functional, and spatial information, amino acid conservation, physicochemical variation, residue mobility, and thermodynamic stability) has been performed at Invitae for this missense variant, however the output from this modeling did not meet the statistical confidence thresholds required to predict the impact of this variant on SPATA5 protein function. In summary, the available evidence is currently insufficient to determine the role of this variant in disease. Therefore, it has been classified as a Variant of Uncertain Significance.

Ambry Genetics
Classification: Uncertain significance for Inborn genetic diseases. Last evaluated: 2023-03-24. Review status: criteria provided, single submitter. Criteria: Ambry Variant Classification Scheme 2023. Collection method: clinical testing. Allele origin: germline.

NM_145207.3(AFG2A):c.1433T>C (p.Leu478Ser)

Gene: AFG2A (AFG2 AAA ATPase homolog A; plus strand). Cytogenetic location: 4q28.1.
Variant type: single nucleotide variant.
Coding change: c.1433T>C on transcript NM_145207.3 (MANE Select); coding-DNA position 1433, T replaced by C.
Protein change: p.Leu478Ser; replaces leucine 478 with serine.
Molecular consequence: missense variant.
Genome position (GRCh38, 1-based): chr4:122,938,224, T>C. VCF-style: chr4-122938224-T-C. GRCh37 (hg19) VCF-style: chr4-123859379-T-C.
Other names: c.1430T>C, p.Leu477Ser (NM_001317799.2, NM_001345856.2); short protein forms L478S, L477S.
Identifiers: ClinVar variation 659192 (VCV000659192.5), dbSNP rs1352778644, ClinGen allele CA358106353.
Genomic context (GRCh38, chr4:122,938,224, plus strand): 5'-TTTGTCCGAAAAGAGAGGGGGCCCAGAATGAAGTGGAAAAAAGAGTTGTGGCTTCACTCT[T>C]AACACTGATGGATGGCATTGGTTCAGTAAGTATAGCACTAGTATTGATTCTGTGTAGGGT-3'
Protein context (NP_660208.2, residues 468-488): EVEKRVVASL[Leu478Ser]TLMDGIGSEV